The following is an entry in ClinVar:

ClinVar aggregate classification (germline): Uncertain significance (1 of 4 stars; one submission).

Conditions:
Inborn genetic diseases. Identifiers: MedGen C0950123, MeSH D030342.

gnomAD v4.1: 2 of 1,613,966 alleles (0.00012%); highest among the groups gnomAD compares: African/African-American, 0.0027%; no homozygotes.

Submission:

Ambry Genetics
Classification: Uncertain significance for Inborn genetic diseases. Last evaluated: 2025-06-22. Review status: criteria provided, single submitter. Criteria: Ambry Variant Classification Scheme 2023. Collection method: clinical testing. Allele origin: germline.
Comment: The p.Q410L variant (also known as c.1229A>T), located in coding exon 11 of the DDX41 gene, results from an A to T substitution at nucleotide position 1229. The glutamine at codon 410 is replaced by leucine, an amino acid with dissimilar properties. This amino acid position is conserved. In addition, this alteration is predicted to be deleterious by in silico analysis. Based on the available evidence, the clinical significance of this variant remains unclear.

NM_016222.4(DDX41):c.1229A>T (p.Gln410Leu)

Gene: DDX41 (DEAD-box helicase 41; minus strand). Cytogenetic location: 5q35.3.
Variant type: single nucleotide variant.
Coding change: c.1229A>T on transcript NM_016222.4 (MANE Select); coding-DNA position 1229, A replaced by T.
Protein change: p.Gln410Leu; replaces glutamine 410 with leucine.
Molecular consequence: missense variant.
Genome position (GRCh38, 1-based): chr5:177,513,354, T>A on the plus strand (A>T on the coding strand, the complement: DDX41 is on the minus strand). VCF-style: chr5-177513354-T-A. GRCh37 (hg19) VCF-style: chr5-176940355-T-A.
Other names: c.851A>T, p.Gln284Leu (NM_001321732.2, NM_001321830.2); short protein forms Q284L, Q410L.
Identifiers: ClinVar variation 4238737 (VCV004238737.1).